The following is an entry in ClinVar:

NM_016507.4(CDK12):c.77G>A (p.Gly26Glu)

Genes: CDK12 (cyclin dependent kinase 12; plus strand), LOC126862553 (CDK7 strongly-dependent group 2 enhancer GRCh37_chr17:37618166-37619365; plus strand). Cytogenetic location: 17q12.
Variant type: single nucleotide variant.
Coding change: c.77G>A on transcript NM_016507.4 (MANE Select); coding-DNA position 77, G replaced by A.
Protein change: p.Gly26Glu; replaces glycine 26 with glutamic acid.
Molecular consequence: missense variant.
Genome position (GRCh38, 1-based): chr17:39,462,148, G>A. VCF-style: chr17-39462148-G-A. GRCh37 (hg19) VCF-style: chr17-37618401-G-A.
Other names: c.77G>A, p.Gly26Glu (NM_015083.4); short protein forms G26E.
Identifiers: ClinVar variation 3489235 (VCV003489235.1).

ClinVar aggregate classification (germline): Uncertain significance (1 of 4 stars; one submission).

Submission:

Ambry Genetics
Classification: Uncertain significance. Last evaluated: 2024-11-22. Review status: criteria provided, single submitter. Criteria: Ambry Variant Classification Scheme 2023. Collection method: clinical testing. Allele origin: germline.
Comment: The p.G26E variant (also known as c.77G>A), located in coding exon 1 of the CDK12 gene, results from a G to A substitution at nucleotide position 77. The glycine at codon 26 is replaced by glutamic acid, an amino acid with similar properties. This amino acid position is conserved. In addition, this alteration is predicted to be tolerated by in silico analysis. Based on the available evidence, the clinical significance of this variant remains unclear.